The following is an entry in ClinVar:

NM_017617.5(NOTCH1):c.5007G>A (p.Met1669Ile)

Gene: NOTCH1 (notch receptor 1; minus strand). Cytogenetic location: 9q34.3.
Variant type: single nucleotide variant.
Coding change: c.5007G>A on transcript NM_017617.5 (MANE Select); coding-DNA position 5007, G replaced by A.
Protein change: p.Met1669Ile; replaces methionine 1669 with isoleucine.
Molecular consequence: missense variant.
Genome position (GRCh38, 1-based): chr9:136,504,684, C>T on the plus strand (G>A on the coding strand, the complement: NOTCH1 is on the minus strand). VCF-style: chr9-136504684-C-T. GRCh37 (hg19) VCF-style: chr9-139399136-C-T.
Other names: short protein forms M1669I.
Identifiers: ClinVar variation 2713782 (VCV002713782.3), dbSNP rs1045824529, ClinGen allele CA201643730.
Genomic context (GRCh38, chr9:136,504,684, plus strand): 5'-GGCCCAGGAGAGTTGCGGGGATTGACCGTGGGCGCCGGGTCTCACTCACCCGCGGACGTC[C>T]ATGGGGTCCAGCTCCCTCCGCCGCCGCCCACCCTCGCTGCCACCAGGGAGCAGCGAGGCC-3'
Protein context (NP_060087.3, residues 1659-1679): GGRRRRELDP[Met1669Ile]DVRGSIVYLE

ClinVar aggregate classification (germline): Uncertain significance (1 of 4 stars; one submission).

Conditions:
Adams-Oliver syndrome 5 (AOS5). Identifiers: Orphanet 974, MedGen C4014970, MONDO:0014459, OMIM 616028.

Allele frequency attached by ClinVar (database versions not stated): gnomAD exomes below 0.00001; TOPMed below 0.00001; gnomAD 0.00001.

Submission:

Labcorp Genetics (formerly Invitae), Labcorp
Classification: Uncertain significance for Adams-Oliver syndrome 5. Last evaluated: 2024-11-29. Review status: criteria provided, single submitter. Criteria: Invitae Variant Classification Sherloc (09022015). Collection method: clinical testing. Allele origin: germline.
Comment: This sequence change replaces methionine, which is neutral and non-polar, with isoleucine, which is neutral and non-polar, at codon 1669 of the NOTCH1 protein (p.Met1669Ile). This variant is not present in population databases (gnomAD no frequency). This variant has not been reported in the literature in individuals affected with NOTCH1-related conditions. ClinVar contains an entry for this variant (Variation ID: 2713782). Invitae Evidence Modeling of protein sequence and biophysical properties (such as structural, functional, and spatial information, amino acid conservation, physicochemical variation, residue mobility, and thermodynamic stability) indicates that this missense variant is not expected to disrupt NOTCH1 protein function with a negative predictive value of 95%. In summary, the available evidence is currently insufficient to determine the role of this variant in disease. Therefore, it has been classified as a Variant of Uncertain Significance.